The following is an entry in ClinVar:

NM_001017420.3(ESCO2):c.1131+2T>C

Gene: ESCO2 (establishment of sister chromatid cohesion N-acetyltransferase 2; plus strand). Cytogenetic location: 8p21.1.
Variant type: single nucleotide variant.
Coding change: c.1131+2T>C on transcript NM_001017420.3 (MANE Select); the canonical splice donor site of the intron after coding-DNA position 1131, T replaced by C.
Molecular consequence: splice donor variant.
Genome position (GRCh38, 1-based): chr8:27,788,004, T>C. VCF-style: chr8-27788004-T-C. GRCh37 (hg19) VCF-style: chr8-27645521-T-C.
Identifiers: ClinVar variation 4814525 (VCV004814525.1).

ClinVar aggregate classification (germline): Pathogenic (1 of 4 stars; one submission).

Conditions:
Roberts-SC phocomelia syndrome (RBS). Also called: Pseudothalidomide syndrome; Appelt-Gerken-Lenz syndrome; Hypomelia hypotrichosis facial hemangioma syndrome; LONG BONE DEFICIENCIES ASSOCIATED WITH CLEFT LIP-PALATE; ESCO2 Spectrum Disorder. Identifiers: Orphanet 3103, MedGen C0392475, MONDO:0100253, OMIM 268300.

Submission:

Natera, Inc.
Classification: Pathogenic for Roberts syndrome. Last evaluated: 2025-07-25. Review status: criteria provided, single submitter. Criteria: Natera Variant Classification Schema (03/2026). Collection method: clinical testing. Allele origin: germline.
Comment: The c.1131+2T>C variant in ESCO2 is a canonical splice donor site variant predicted to affect pre-mRNA splicing, which may result in an abnormal transcript and altered protein product. This variant is expected to result in nonsense mediated decay, truncation, or a dysfunctional protein product. This variant is rare in the general population with a frequency below the threshold expected for the associated phenotype(s). Another variant at this same site results in an alteration predicted to cause a similar molecular effect has been observed in individual(s) with the associated phenotype. Given the available evidence, this variant is classified as Pathogenic.